The following is an entry in ClinVar:

ClinVar aggregate classification (germline): Uncertain significance. Review status: criteria provided, multiple submitters, no conflicts (2 of 4 stars). 2 submissions from 2 submitters: Uncertain significance (2). Last evaluated 2025-08-04.

Conditions:
Inborn genetic diseases. Identifiers: MedGen C0950123, MeSH D030342.

Allele frequency attached by ClinVar (database versions not stated): ESP Exome Variant Server 0.00038; 1000 Genomes Project 30x 0.00047; gnomAD exomes 0.00002; ExAC 0.00009; 1000 Genomes Project 0.00040; TOPMed 0.00023; gnomAD 0.00029.
gnomAD v4.1: 84 of 1,604,206 alleles (0.0052%); highest among the groups gnomAD compares: African/African-American, 0.088%; no homozygotes.

Submissions (2):

Ambry Genetics
Classification: Uncertain significance for Inborn genetic diseases. Last evaluated: 2025-08-04. Review status: criteria provided, single submitter. Criteria: Ambry Variant Classification Scheme 2023. Collection method: clinical testing. Allele origin: germline.

Labcorp Genetics (formerly Invitae), Labcorp
Classification: Uncertain significance. Last evaluated: 2022-12-20. Review status: criteria provided, single submitter. Criteria: Invitae Variant Classification Sherloc (09022015). Collection method: clinical testing. Allele origin: germline.
Comment: Algorithms developed to predict the effect of missense changes on protein structure and function are either unavailable or do not agree on the potential impact of this missense change (SIFT: "Deleterious"; PolyPhen-2: "Benign"; Align-GVGD: "Class C0"). This variant has not been reported in the literature in individuals affected with NSUN3-related conditions. This variant is present in population databases (rs114836795, gnomAD 0.1%), and has an allele count higher than expected for a pathogenic variant. This sequence change replaces glycine, which is neutral and non-polar, with glutamic acid, which is acidic and polar, at codon 34 of the NSUN3 protein (p.Gly34Glu). In summary, the available evidence is currently insufficient to determine the role of this variant in disease. Therefore, it has been classified as a Variant of Uncertain Significance.

NM_022072.5(NSUN3):c.101G>A (p.Gly34Glu)

Gene: NSUN3 (NOP2/Sun RNA methyltransferase 3; plus strand). Cytogenetic location: 3q11.2.
Variant type: single nucleotide variant.
Coding change: c.101G>A on transcript NM_022072.5 (MANE Select); coding-DNA position 101, G replaced by A.
Protein change: p.Gly34Glu; replaces glycine 34 with glutamic acid.
Molecular consequence: missense variant.
Genome position (GRCh38, 1-based): chr3:94,064,525, G>A. VCF-style: chr3-94064525-G-A. GRCh37 (hg19) VCF-style: chr3-93783369-G-A.
Other names: c.101G>A (NM_022072.3); short protein forms G34E.
Identifiers: ClinVar variation 2076930 (VCV002076930.7), dbSNP rs114836795, ClinGen allele CA2504616.